The following is an entry in ClinVar:

NM_002454.3(MTRR):c.361C>T (p.Arg121Trp)

Gene: MTRR (5-methyltetrahydrofolate-homocysteine methyltransferase reductase; plus strand). Cytogenetic location: 5p15.31.
Variant type: single nucleotide variant.
Coding change: c.361C>T on transcript NM_002454.3 (MANE Select); coding-DNA position 361, C replaced by T.
Protein change: p.Arg121Trp; replaces arginine 121 with tryptophan.
Molecular consequence: missense variant. On other transcripts: non-coding transcript variant (14).
Genome position (GRCh38, 1-based): chr5:7,875,335, C>T. VCF-style: chr5-7875335-C-T. GRCh37 (hg19) VCF-style: chr5-7875448-C-T.
Other names: c.361C>T (NM_002454.2); c.361C>T, p.Arg121Trp (NM_001364440.2, NM_001364441.2, NM_001364442.2 and 1 more transcripts); short protein forms R121W.
Identifiers: ClinVar variation 2200273 (VCV002200273.3), dbSNP rs146068484, ClinGen allele CA3195567.

ClinVar aggregate classification (germline): Uncertain significance. Review status: criteria provided, multiple submitters, no conflicts (2 of 4 stars). 2 submissions from 2 submitters: Uncertain significance (2). Last evaluated 2023-07-19.

Conditions:
Methylcobalamin deficiency type cblE (HMAE). Also called: VITAMIN B12-RESPONSIVE HOMOCYSTINURIA, cblE TYPE; HOMOCYSTINURIA-MEGALOBLASTIC ANEMIA, cblE COMPLEMENTATION TYPE; HOMOCYSTINURIA-MEGALOBLASTIC ANEMIA, cblE TYPE. Identifiers: Orphanet 2169, Orphanet 622, MedGen C1856057, MONDO:0009354, OMIM 236270.
Inborn genetic diseases. Identifiers: MedGen C0950123, MeSH D030342.

Allele frequency attached by ClinVar (database versions not stated): ExAC 0.00004; gnomAD exomes 0.00004; TOPMed 0.00004; gnomAD 0.00005; ESP Exome Variant Server 0.00015.
gnomAD v4.1: 63 of 1,613,572 alleles (0.0039%); highest among the groups gnomAD compares: Middle Eastern, 0.016%; no homozygotes.

Submissions (2):

Ambry Genetics
Classification: Uncertain significance for Inborn genetic diseases. Last evaluated: 2023-07-19. Review status: criteria provided, single submitter. Criteria: Ambry Variant Classification Scheme 2023. Collection method: clinical testing. Allele origin: germline.

Labcorp Genetics (formerly Invitae), Labcorp
Classification: Uncertain significance for Methylcobalamin deficiency type cblE. Last evaluated: 2022-10-24. Review status: criteria provided, single submitter. Criteria: Invitae Variant Classification Sherloc (09022015). Collection method: clinical testing. Allele origin: germline.
Comment: This sequence change replaces arginine, which is basic and polar, with tryptophan, which is neutral and slightly polar, at codon 121 of the MTRR protein (p.Arg121Trp). This variant is present in population databases (rs146068484, gnomAD 0.008%). This variant has not been reported in the literature in individuals affected with MTRR-related conditions. Advanced modeling of protein sequence and biophysical properties (such as structural, functional, and spatial information, amino acid conservation, physicochemical variation, residue mobility, and thermodynamic stability) has been performed at Invitae for this missense variant, however the output from this modeling did not meet the statistical confidence thresholds required to predict the impact of this variant on MTRR protein function. In summary, the available evidence is currently insufficient to determine the role of this variant in disease. Therefore, it has been classified as a Variant of Uncertain Significance.